The following is an entry in ClinVar:

NM_006019.4(TCIRG1):c.685G>T (p.Gly229Ter)

Gene: TCIRG1 (T cell immune regulator 1, ATPase H+ transporting V0 subunit a3; plus strand). Cytogenetic location: 11q13.2.
Variant type: single nucleotide variant.
Coding change: c.685G>T on transcript NM_006019.4 (MANE Select); coding-DNA position 685, G replaced by T.
Protein change: p.Gly229Ter; replaces glycine 229 with a stop codon.
Molecular consequence: nonsense. On other transcripts: 5 prime UTR variant (1).
Genome position (GRCh38, 1-based): chr11:68,043,625, G>T. VCF-style: chr11-68043625-G-T. GRCh37 (hg19) VCF-style: chr11-67811092-G-T.
Other names: c.-226G>T (NM_001351059.2); c.37G>T, p.Gly13Ter (NM_006053.4); short protein forms G13*, G229*.
Identifiers: ClinVar variation 1069133 (VCV001069133.9), dbSNP rs746497338, ClinGen allele CA381578673.
Genomic context (GRCh38, chr11:68,043,625, plus strand): 5'-CTGCAGGGCGAGCCAGCCACGTGGATGACCTTCCTCATCTCCTACTGGGGTGAGCAGATC[G>T]GACAGAAGATCCGCAAGATCACGGACTGGTGAGTCACTGGGAACACCCGCCCCACCGCCC-3'

ClinVar aggregate classification (germline): Pathogenic (1 of 4 stars; one submission).

Submission:

Labcorp Genetics (formerly Invitae), Labcorp
Classification: Pathogenic. Last evaluated: 2022-11-20. Review status: criteria provided, single submitter. Criteria: Invitae Variant Classification Sherloc (09022015). Collection method: clinical testing. Allele origin: germline.
Comment: For these reasons, this variant has been classified as Pathogenic. ClinVar contains an entry for this variant (Variation ID: 1069133). This premature translational stop signal has been observed in individual(s) with osteopetrosis (PMID: 30539151). This variant is not present in population databases (gnomAD no frequency). This sequence change creates a premature translational stop signal (p.Gly229*) in the TCIRG1 gene. It is expected to result in an absent or disrupted protein product. Loss-of-function variants in TCIRG1 are known to be pathogenic (PMID: 10888887, 10942435, 11532986, 19448635).

Literature cited by the submitters: PubMed 30539151; PubMed 10888887; PubMed 10942435; PubMed 11532986; PubMed 19448635.